The following is an entry in ClinVar:

ClinVar aggregate classification (germline): Uncertain significance (1 of 4 stars; one submission).

Allele frequency attached by ClinVar (database versions not stated): gnomAD 0.00001; TOPMed 0.00001; ExAC 0.00001.
gnomAD v4.1: 1 of 1,613,942 alleles (0.000062%); highest among the groups gnomAD compares: African/African-American, 0.0013%; no homozygotes.

Submission:

Labcorp Genetics (formerly Invitae), Labcorp
Classification: Uncertain significance. Last evaluated: 2025-07-31. Review status: criteria provided, single submitter. Criteria: Invitae Variant Classification Sherloc (09022015). Collection method: clinical testing. Allele origin: germline.
Comment: This sequence change replaces aspartic acid, which is acidic and polar, with histidine, which is basic and polar, at codon 189 of the ADAM9 protein (p.Asp189His). This variant is present in population databases (rs780209541, gnomAD 0.01%). This variant has not been reported in the literature in individuals affected with ADAM9-related conditions. ClinVar contains an entry for this variant (Variation ID: 2086477). An algorithm developed to predict the effect of missense changes on protein structure and function (PolyPhen-2) suggests that this variant is likely to be tolerated. In summary, the available evidence is currently insufficient to determine the role of this variant in disease. Therefore, it has been classified as a Variant of Uncertain Significance.

NM_003816.3(ADAM9):c.565G>C (p.Asp189His)

Gene: ADAM9 (ADAM metallopeptidase domain 9; plus strand). Cytogenetic location: 8p11.22.
Variant type: single nucleotide variant.
Coding change: c.565G>C on transcript NM_003816.3 (MANE Select); coding-DNA position 565, G replaced by C.
Protein change: p.Asp189His; replaces aspartic acid 189 with histidine.
Molecular consequence: missense variant. On other transcripts: non-coding transcript variant (3).
Genome position (GRCh38, 1-based): chr8:39,017,373, G>C. VCF-style: chr8-39017373-G-C. GRCh37 (hg19) VCF-style: chr8-38874892-G-C.
Other names: short protein forms D189H.
Identifiers: ClinVar variation 2086477 (VCV002086477.2), dbSNP rs780209541, ClinGen allele CA4721366.
Genomic context (GRCh38, chr8:39,017,373, plus strand): 5'-TACAAAGAGCCTCTGAAATGTGGAGTTTCCAACAAGGATATAGAGAAAGAAACTGCAAAG[G>C]ATGAAGAGGAAGAGCCTCCCAGCATGACTCAGCTACTTCGAGTAAGGAAATAACATAATT-3'
Protein context (NP_003807.1, residues 179-199): NKDIEKETAK[Asp189His]EEEEPPSMTQ